The following is an entry in ClinVar:

NM_000901.5(NR3C2):c.2755C>T (p.Gln919Ter)

Gene: NR3C2 (nuclear receptor subfamily 3 group C member 2; minus strand). Cytogenetic location: 4q31.23.
Variant type: single nucleotide variant.
Coding change: c.2755C>T on transcript NM_000901.5 (MANE Select); coding-DNA position 2755, C replaced by T.
Protein change: p.Gln919Ter; replaces glutamine 919 with a stop codon.
Molecular consequence: nonsense. On other transcripts: non-coding transcript variant (1).
Genome position (GRCh38, 1-based): chr4:148,114,148, G>A on the plus strand (C>T on the coding strand, the complement: NR3C2 is on the minus strand). VCF-style: chr4-148114148-G-A. GRCh37 (hg19) VCF-style: chr4-149035299-G-A.
Other names: c.2404C>T, p.Gln802Ter (NM_001166104.2, NM_001354819.1); short protein forms Q919*, Q802*.
Identifiers: ClinVar variation 623200 (VCV000623200.2), dbSNP rs1553986377, ClinGen allele CA358427396.

ClinVar aggregate classification (germline): Pathogenic/Likely pathogenic. Review status: criteria provided, multiple submitters, no conflicts (2 of 4 stars). 2 submissions from 2 submitters: Pathogenic (1); Likely pathogenic (1). Last evaluated 2024-06-28.

Conditions:
NR3C2-related disorder. Also called: NR3C2-related condition; NR3C2-related disorders.
Autosomal dominant pseudohypoaldosteronism type 1. Also called: Pseudohypoaldosteronism, Type I, Autosomal Dominant; PHA I, AUTOSOMAL DOMINANT; Pseudohypoaldosteronism, Type I, Dominant. Identifiers: Orphanet 171871, Orphanet 756, MedGen C1449842, MONDO:0008329, OMIM 177735.

Allele frequency attached by ClinVar (database versions not stated): gnomAD exomes below 0.00001.
gnomAD v4.1: 1 of 1,613,778 alleles (0.000062%); highest among the groups gnomAD compares: Non-Finnish European, 0.000085%; no homozygotes.

Submissions (2):

Women's Health and Genetics/Laboratory Corporation of America, LabCorp
Classification: Pathogenic for NR3C2-Related Disorders. Last evaluated: 2024-06-28. Review status: criteria provided, single submitter. Criteria: LabCorp Variant Classification Summary - May 2015. Collection method: clinical testing. Allele origin: germline.
Comment: Variant summary: NR3C2 c.2755C>T (p.Gln919X) results in a premature termination codon located in the penultimate exon, predicted to cause a truncation of the encoded protein or absence of the protein due to nonsense mediated decay, which are commonly known mechanisms for disease. The variant was absent in 250976 control chromosomes (gnomAD). The variant, c.2755C>T, has been reported in the literature in 3 brother s affected with autism, however no specific symptoms of (transient) pseudohypoaldosteronism was noted (Cukier_2020). This report does not provide unequivocal conclusions about association of the variant with NR3C2-Related Disorders. To our knowledge, no experimental evidence demonstrating an impact on protein function has been reported. However, several truncations and missense changes have been reported in in individuals affected with Pseudohypoaldosteronism 1 (HGMD), and classified as pathogenic in ClinVar. The following publication have been ascertained in the context of this evaluation (PMID: 32064789). ClinVar contains an entry for this variant (Variation ID: 623200). Based on the evidence outlined above, the variant was classified as pathogenic.

Molecular Diagnostics Laboratory, M Health Fairview: University of Minnesota
Classification: Likely pathogenic for Autosomal dominant pseudohypoaldosteronism type 1. Last evaluated: 2017-08-04. Review status: criteria provided, single submitter. Criteria: ACMG Guidelines, 2015. Collection method: clinical testing. Allele origin: germline. Affected: yes. Observed: 1 variant allele.

Literature cited by the submitters: PubMed 32064789 (cited by Women's Health and Genetics/Laboratory Corporation of America, LabCorp); PubMed 16757525 (cited by Molecular Diagnostics Laboratory, M Health Fairview: University of Minnesota); PubMed 27780983 (cited by Molecular Diagnostics Laboratory, M Health Fairview: University of Minnesota); PubMed 19571553 (cited by Molecular Diagnostics Laboratory, M Health Fairview: University of Minnesota).